The following is an entry in ClinVar:

NM_001282225.2(ADA2):c.347T>C (p.Ile116Thr)

Gene: ADA2 (adenosine deaminase 2; minus strand). Cytogenetic location: 22q11.1.
Variant type: single nucleotide variant.
Coding change: c.347T>C on transcript NM_001282225.2 (MANE Select); coding-DNA position 347, T replaced by C.
Protein change: p.Ile116Thr; replaces isoleucine 116 with threonine.
Molecular consequence: missense variant. On other transcripts: 5 prime UTR variant (1).
Genome position (GRCh38, 1-based): chr22:17,207,266, A>G on the plus strand (T>C on the coding strand, the complement: ADA2 is on the minus strand). VCF-style: chr22-17207266-A-G. GRCh37 (hg19) VCF-style: chr22-17688156-A-G.
Other names: c.347T>C, p.Ile116Thr (NM_001282226.2); c.221T>C, p.Ile74Thr (NM_001282227.2, NM_001282228.2); c.-14T>C (NM_001282229.2); short protein forms I116T, I74T.
Identifiers: ClinVar variation 1400386 (VCV001400386.8), dbSNP rs2123709522, ClinGen allele CA410229892.

ClinVar aggregate classification (germline): Uncertain significance (1 of 4 stars; one submission).

Conditions:
Deficiency of adenosine deaminase 2. Also called: VASCULITIS, AUTOINFLAMMATION, IMMUNODEFICIENCY, AND HEMATOLOGIC DEFECTS SYNDROME; Polyarteritis nodosa, childhoood-onset; Adenosine Deaminase 2 Deficiency. Identifiers: Orphanet 404553, MedGen C3887654, MONDO:0014306, OMIM 615688, MONDO:0100317.

Allele frequency attached by ClinVar (database versions not stated): gnomAD exomes below 0.00001.
gnomAD v4.1: 1 of 1,609,212 alleles (0.000062%); highest among the groups gnomAD compares: Non-Finnish European, 0.000085%; no homozygotes.

Submission:

Labcorp Genetics (formerly Invitae), Labcorp
Classification: Uncertain significance for Deficiency of adenosine deaminase 2. Last evaluated: 2020-12-18. Review status: criteria provided, single submitter. Criteria: Invitae Variant Classification Sherloc (09022015). Collection method: clinical testing. Allele origin: germline.
Comment: This sequence change replaces isoleucine with threonine at codon 116 of the ADA2 protein (p.Ile116Thr). The isoleucine residue is weakly conserved and there is a moderate physicochemical difference between isoleucine and threonine. This variant is not present in population databases (ExAC no frequency). This variant has not been reported in the literature in individuals with ADA2-related conditions. Algorithms developed to predict the effect of missense changes on protein structure and function output the following: SIFT: "Tolerated"; PolyPhen-2: "Benign"; Align-GVGD: "Class C0". The threonine amino acid residue is found in multiple mammalian species, suggesting that this missense change does not adversely affect protein function. These predictions have not been confirmed by published functional studies and their clinical significance is uncertain. In summary, the available evidence is currently insufficient to determine the role of this variant in disease. Therefore, it has been classified as a Variant of Uncertain Significance.